The following is an entry in ClinVar:

NM_001206927.2(DNAH8):c.7177A>C (p.Asn2393His)

Gene: DNAH8 (dynein axonemal heavy chain 8; plus strand). Cytogenetic location: 6p21.2.
Variant type: single nucleotide variant.
Coding change: c.7177A>C on transcript NM_001206927.2 (MANE Select); coding-DNA position 7177, A replaced by C.
Protein change: p.Asn2393His; replaces asparagine 2393 with histidine.
Molecular consequence: missense variant.
Genome position (GRCh38, 1-based): chr6:38,872,722, A>C. VCF-style: chr6-38872722-A-C. GRCh37 (hg19) VCF-style: chr6-38840498-A-C.
Other names: c.6526A>C, p.Asn2176His (NM_001371.4); short protein forms N2176H, N2393H.
Identifiers: ClinVar variation 1043897 (VCV001043897.7), dbSNP rs377740147, ClinGen allele CA3789848.

ClinVar aggregate classification (germline): Uncertain significance (1 of 4 stars; one submission).

Conditions:
Primary ciliary dyskinesia. Also called: Ciliary dyskinesia. Identifiers: Orphanet 244, MedGen C0008780, MONDO:0016575, HP:0012265.

Allele frequency attached by ClinVar (database versions not stated): ExAC 0.00002; TOPMed 0.00003.
gnomAD v4.1: 9 of 1,614,148 alleles (0.00056%); highest among the groups gnomAD compares: East Asian, 0.0045%; no homozygotes.

Submission:

Labcorp Genetics (formerly Invitae), Labcorp
Classification: Uncertain significance for Primary ciliary dyskinesia. Last evaluated: 2023-11-27. Review status: criteria provided, single submitter. Criteria: Invitae Variant Classification Sherloc (09022015). Collection method: clinical testing. Allele origin: germline.
Comment: This sequence change replaces asparagine, which is neutral and polar, with histidine, which is basic and polar, at codon 2393 of the DNAH8 protein (p.Asn2393His). This variant is present in population databases (rs377740147, gnomAD 0.006%). This variant has not been reported in the literature in individuals affected with DNAH8-related conditions. ClinVar contains an entry for this variant (Variation ID: 1043897). Experimental studies and prediction algorithms are not available or were not evaluated, and the functional significance of this variant is currently unknown. In summary, the available evidence is currently insufficient to determine the role of this variant in disease. Therefore, it has been classified as a Variant of Uncertain Significance.